The following is an entry in ClinVar:

ClinVar aggregate classification (germline): Pathogenic. Review status: criteria provided, single submitter (1 of 4 stars). 3 submissions from 3 submitters: Pathogenic (1). 2 of the submissions do not count toward it. Last evaluated 2025-03-31.

Conditions:
Senior-Loken syndrome 8 (SLSN8). Identifiers: Orphanet 3156, MedGen C4225376, MONDO:0014579, OMIM 616307.
Asphyxiating thoracic dystrophy 5 (SRTD5). Also called: SHORT-RIB THORACIC DYSPLASIA 5 WITHOUT POLYDACTYLY; SHORT-RIB THORACIC DYSPLASIA 5 WITH OR WITHOUT POLYDACTYLY. Identifiers: Orphanet 474, MedGen C3280598, MONDO:0013717, OMIM 614376.
Jeune thoracic dystrophy. Also called: Jeune syndrome; Infantile thoracic dystrophy; Thoracic pelvic phalangeal dystrophy; Jeune's syndrome; Chondroectodermal dysplasia-like syndrome; Short-rib thoracic dysplasia. Identifiers: Orphanet 474, MedGen C0265275, MONDO:0018770.

Allele frequency attached by ClinVar (database versions not stated): gnomAD exomes 0.00001; TOPMed 0.00001.
gnomAD v4.1: 4 of 1,472,178 alleles (0.00027%); highest among the groups gnomAD compares: East Asian, 0.0052%; no homozygotes.

Submissions (3):

Labcorp Genetics (formerly Invitae), Labcorp
Classification: Pathogenic for Senior-Loken syndrome 8; Asphyxiating thoracic dystrophy 5. Last evaluated: 2025-03-31. Review status: criteria provided, single submitter. Criteria: Invitae Variant Classification Sherloc (09022015). Collection method: clinical testing. Allele origin: germline.
Comment: This sequence change replaces glycine, which is neutral and non-polar, with arginine, which is basic and polar, at codon 495 of the WDR19 protein (p.Gly495Arg). This variant is present in population databases (no rsID available, gnomAD 0.01%). This missense change has been observed in individual(s) with WDR19-related conditions (PMID: 24504730, 29068549; internal data). In at least one individual the data is consistent with being in trans (on the opposite chromosome) from a pathogenic variant. ClinVar contains an entry for this variant (Variation ID: 446641). Invitae Evidence Modeling of protein sequence and biophysical properties (such as structural, functional, and spatial information, amino acid conservation, physicochemical variation, residue mobility, and thermodynamic stability) indicates that this missense variant is expected to disrupt WDR19 protein function with a positive predictive value of 95%. This variant disrupts the p.Gly495 amino acid residue in WDR19. Other variant(s) that disrupt this residue have been observed in individuals with WDR19-related conditions (PMID: 25726036), which suggests that this may be a clinically significant amino acid residue. For these reasons, this variant has been classified as Pathogenic.

Dan Cohn Lab, University Of California Los Angeles
Classification: Pathogenic for Asphyxiating thoracic dystrophy. Last evaluated: 2017-06-01. Review status: no assertion criteria provided. Collection method: research. Allele origin: maternal. Affected: yes. Not counted in ClinVar's aggregate classification.

University of Washington Center for Mendelian Genomics, University of Washington
Classification: Likely pathogenic for asphyxiating thoracic dystrophy. Review status: no assertion criteria provided. Collection method: research. Allele origin: inherited. Affected: yes. Not counted in ClinVar's aggregate classification.

Literature cited by the submitters: PubMed 24504730 (cited by Labcorp Genetics (formerly Invitae), Labcorp); PubMed 29068549 (cited by 3 submitters); PubMed 25726036 (cited by Labcorp Genetics (formerly Invitae), Labcorp).

NM_025132.4(WDR19):c.1483G>C (p.Gly495Arg)

Gene: WDR19 (WD repeat domain 19; plus strand). Cytogenetic location: 4p14.
Variant type: single nucleotide variant.
Coding change: c.1483G>C on transcript NM_025132.4 (MANE Select); coding-DNA position 1483, G replaced by C.
Protein change: p.Gly495Arg; replaces glycine 495 with arginine.
Molecular consequence: missense variant.
Genome position (GRCh38, 1-based): chr4:39,224,887, G>C. VCF-style: chr4-39224887-G-C. GRCh37 (hg19) VCF-style: chr4-39226507-G-C.
Other names: c.1003G>C, p.Gly335Arg (NM_001317924.2); short protein forms G495R, G335R.
Identifiers: ClinVar variation 446641 (VCV000446641.10), dbSNP rs1215108056, ClinGen allele CA356631901.